The following is an entry in ClinVar:

NM_014244.5(ADAMTS2):c.3545G>A (p.Arg1182Gln)

Gene: ADAMTS2 (ADAM metallopeptidase with thrombospondin type 1 motif 2; minus strand). Cytogenetic location: 5q35.3.
Variant type: single nucleotide variant.
Coding change: c.3545G>A on transcript NM_014244.5 (MANE Select); coding-DNA position 3545, G replaced by A.
Protein change: p.Arg1182Gln; replaces arginine 1182 with glutamine.
Molecular consequence: missense variant.
Genome position (GRCh38, 1-based): chr5:179,113,958, C>T on the plus strand (G>A on the coding strand, the complement: ADAMTS2 is on the minus strand). VCF-style: chr5-179113958-C-T. GRCh37 (hg19) VCF-style: chr5-178540959-C-T.
Other names: p.Arg1182Gln; short protein forms R1182Q.
Identifiers: ClinVar variation 469677 (VCV000469677.14), dbSNP rs140845527, ClinGen allele CA3595208.

ClinVar aggregate classification (germline): Uncertain significance. Review status: criteria provided, multiple submitters, no conflicts (2 of 4 stars). 5 submissions from 5 submitters: Uncertain significance (4). 1 of the submissions does not count toward it. Last evaluated 2026-07-28.

Conditions:
Ehlers-Danlos syndrome, dermatosparaxis type. Also called: Ehlers-Danlos syndrome, type VII, autosomal recessive; EDS VIIC; Dermatosparaxis. Identifiers: Orphanet 1901, MedGen C2700425, MONDO:0009161, OMIM 225410.

Allele frequency attached by ClinVar (database versions not stated): TOPMed 0.00008; ExAC 0.00013; gnomAD 0.00005 and 0.00006; gnomAD exomes 0.00011 and 0.00012; ESP Exome Variant Server 0.00015.
gnomAD v4.1: 171 of 1,613,966 alleles (0.011%); highest among the groups gnomAD compares: Non-Finnish European, 0.013%; no homozygotes.

Submissions (5):

GeneDx
Classification: Uncertain significance. Last evaluated: 2026-07-28. Review status: criteria provided, single submitter. Criteria: GeneDx Variant Classification Process June 2021. Collection method: clinical testing. Allele origin: germline.
Comment: Has not been previously published as pathogenic or benign to our knowledge; In silico analysis suggests that this missense variant does not alter protein structure/function

Women's Health and Genetics/Laboratory Corporation of America, LabCorp
Classification: Uncertain significance. Last evaluated: 2026-01-12. Review status: criteria provided, single submitter. Criteria: LabCorp Variant Classification Summary - May 2015. Collection method: clinical testing. Allele origin: germline.
Comment: Variant summary: ADAMTS2 c.3545G>A (p.Arg1182Gln) results in a conservative amino acid change in the encoded protein sequence. Algorithms developed to predict the effect of missense changes on protein structure and function all suggest that this variant is likely to be tolerated. The variant allele was found at a frequency of 0.00012 in 251496 control chromosomes. This frequency is not significantly higher than estimated for disease-causing variants in ADAMTS2, allowing no conclusion about variant significance. To our knowledge, no occurrence of c.3545G>A in individuals affected with ADAMTS2-related conditions and no experimental evidence demonstrating its impact on protein function have been reported. ClinVar contains an entry for this variant (Variation ID: 469677). Based on the evidence outlined above, the variant was classified as uncertain significance.

Mayo Clinic Laboratories, Mayo Clinic
Classification: Uncertain significance. Last evaluated: 2024-11-01. Review status: criteria provided, single submitter. Criteria: ACMG Guidelines, 2015. Collection method: clinical testing. Allele origin: germline. Observed: 2 variant alleles.
Comment: BP4

Labcorp Genetics (formerly Invitae), Labcorp
Classification: Uncertain significance for Ehlers-Danlos syndrome, dermatosparaxis type. Last evaluated: 2022-03-19. Review status: criteria provided, single submitter. Criteria: Invitae Variant Classification Sherloc (09022015). Collection method: clinical testing. Allele origin: germline.
Comment: This sequence change replaces arginine, which is basic and polar, with glutamine, which is neutral and polar, at codon 1182 of the ADAMTS2 protein (p.Arg1182Gln). This variant is present in population databases (rs140845527, gnomAD 0.02%). This variant has not been reported in the literature in individuals affected with ADAMTS2-related conditions. ClinVar contains an entry for this variant (Variation ID: 469677). Algorithms developed to predict the effect of missense changes on protein structure and function (SIFT, PolyPhen-2, Align-GVGD) all suggest that this variant is likely to be tolerated. In summary, the available evidence is currently insufficient to determine the role of this variant in disease. Therefore, it has been classified as a Variant of Uncertain Significance.

Natera, Inc.
Classification: Uncertain significance for Ehlers-Danlos syndrome type VIIC. Last evaluated: 2019-10-28. Review status: no assertion criteria provided. Collection method: clinical testing. Allele origin: germline. Not counted in ClinVar's aggregate classification.